The following is an entry in ClinVar:

NM_005921.2(MAP3K1):c.3133G>C (p.Val1045Leu)

Gene: MAP3K1 (mitogen-activated protein kinase kinase kinase 1; plus strand). Cytogenetic location: 5q11.2.
Variant type: single nucleotide variant.
Coding change: c.3133G>C on transcript NM_005921.2 (MANE Select); coding-DNA position 3133, G replaced by C.
Protein change: p.Val1045Leu; replaces valine 1045 with leucine.
Molecular consequence: missense variant.
Genome position (GRCh38, 1-based): chr5:56,882,333, G>C. VCF-style: chr5-56882333-G-C. GRCh37 (hg19) VCF-style: chr5-56178160-G-C.
Other names: short protein forms V1045L.
Identifiers: ClinVar variation 2132324 (VCV002132324.4), dbSNP rs2111945946, ClinGen allele CA359787728.

ClinVar aggregate classification (germline): Uncertain significance (1 of 4 stars; one submission).

Conditions:
46,XY sex reversal 6. Also called: 46,XY SEX REVERSAL, PARTIAL OR COMPLETE, MAP3K1-RELATED; 46,XY GONADAL DYSGENESIS, PARTIAL OR COMPLETE, MAP3K1-RELATED. Identifiers: MedGen C3151064, MONDO:0013410, OMIM 613762.

Submission:

Labcorp Genetics (formerly Invitae), Labcorp
Classification: Uncertain significance for 46,XY sex reversal 6. Last evaluated: 2022-04-30. Review status: criteria provided, single submitter. Criteria: Invitae Variant Classification Sherloc (09022015). Collection method: clinical testing. Allele origin: germline.
Comment: This variant has not been reported in the literature in individuals affected with MAP3K1-related conditions. In summary, the available evidence is currently insufficient to determine the role of this variant in disease. Therefore, it has been classified as a Variant of Uncertain Significance. Advanced modeling of protein sequence and biophysical properties (such as structural, functional, and spatial information, amino acid conservation, physicochemical variation, residue mobility, and thermodynamic stability) performed at Invitae indicates that this missense variant is not expected to disrupt MAP3K1 protein function. This variant is not present in population databases (gnomAD no frequency). This sequence change replaces valine, which is neutral and non-polar, with leucine, which is neutral and non-polar, at codon 1045 of the MAP3K1 protein (p.Val1045Leu).